The following is an entry in ClinVar:

ClinVar aggregate classification (germline): Uncertain significance (1 of 4 stars; one submission).

Submission:

Labcorp Genetics (formerly Invitae), Labcorp
Classification: Uncertain significance. Last evaluated: 2022-07-13. Review status: criteria provided, single submitter. Criteria: Invitae Variant Classification Sherloc (09022015). Collection method: clinical testing. Allele origin: germline.
Comment: This sequence change replaces aspartic acid, which is acidic and polar, with tyrosine, which is neutral and polar, at codon 504 of the CTNNA1 protein (p.Asp504Tyr). This variant is not present in population databases (gnomAD no frequency). This variant has not been reported in the literature in individuals affected with CTNNA1-related conditions. Algorithms developed to predict the effect of missense changes on protein structure and function are either unavailable or do not agree on the potential impact of this missense change (SIFT: "Deleterious"; PolyPhen-2: "Probably Damaging"; Align-GVGD: "Class C15"). In summary, the available evidence is currently insufficient to determine the role of this variant in disease. Therefore, it has been classified as a Variant of Uncertain Significance.

NM_001903.5(CTNNA1):c.1510G>T (p.Asp504Tyr)

Gene: CTNNA1 (catenin alpha 1; plus strand). Cytogenetic location: 5q31.2.
Variant type: single nucleotide variant.
Coding change: c.1510G>T on transcript NM_001903.5 (MANE Select); coding-DNA position 1510, G replaced by T.
Protein change: p.Asp504Tyr; replaces aspartic acid 504 with tyrosine.
Molecular consequence: missense variant.
Genome position (GRCh38, 1-based): chr5:138,917,862, G>T. VCF-style: chr5-138917862-G-T. GRCh37 (hg19) VCF-style: chr5-138253551-G-T.
Other names: c.1510G>T, p.Asp504Tyr (NM_001290307.3, NM_001323982.2, NM_001323983.1 and 2 more transcripts); c.1201G>T, p.Asp401Tyr (NM_001290309.3); c.1141G>T, p.Asp381Tyr (NM_001290310.3); c.400G>T, p.Asp134Tyr (NM_001290312.1, NM_001323987.1, NM_001323988.1 and 17 more transcripts); c.1417G>T, p.Asp473Tyr (NM_001323986.2); c.157G>T, p.Asp53Tyr (NM_001324012.1, NM_001324013.1); c.61G>T, p.Asp21Tyr (NM_001324006.1, NM_001324007.1, NM_001324008.1 and 2 more transcripts); c.307G>T, p.Asp103Tyr (NM_001324011.1); short protein forms D473Y, D401Y, D134Y, D504Y, D53Y, D103Y, D21Y, D381Y.
Identifiers: ClinVar variation 2016787 (VCV002016787.4), dbSNP rs2150234636, ClinGen allele CA361137350.
Genomic context (GRCh38, chr5:138,917,862, plus strand): 5'-ATGGATCTTTTTAAAGAACAATGGGAAAAACAAGTCCGTGTTCTCACAGATGCTGTCGAT[G>T]ACATTACTTCCATTGATGACTTCTTGGCTGTCTCAGGTAATGAGCTGGTTCCCCAGAGAA-3'
Protein context (NP_001894.2, residues 494-514): QVRVLTDAVD[Asp504Tyr]ITSIDDFLAV